The following is an entry in ClinVar:

NM_000089.4(COL1A2):c.2027G>A (p.Gly676Asp)

Gene: COL1A2 (collagen type I alpha 2 chain; plus strand). Cytogenetic location: 7q21.3.
Variant type: single nucleotide variant.
Coding change: c.2027G>A on transcript NM_000089.4 (MANE Select); coding-DNA position 2027, G replaced by A.
Protein change: p.Gly676Asp; replaces glycine 676 with aspartic acid.
Molecular consequence: missense variant.
Genome position (GRCh38, 1-based): chr7:94,419,499, G>A. VCF-style: chr7-94419499-G-A. GRCh37 (hg19) VCF-style: chr7-94048811-G-A.
Other names: short protein forms G676D.
Identifiers: ClinVar variation 548666 (VCV000548666.9), dbSNP rs66883877, ClinGen allele CA162932306.

ClinVar aggregate classification (germline): Pathogenic. Review status: criteria provided, single submitter (1 of 4 stars). 2 submissions from 2 submitters: Pathogenic (1). 1 of the submissions does not count toward it. Last evaluated 2022-07-19.

Conditions:
Dentinogenesis imperfecta. Identifiers: Orphanet 49042, MedGen C0011436, MONDO:0018849, HP:0000703.
Osteogenesis imperfecta type I (OI1). Also called: OI, TYPE I; OSTEOGENESIS IMPERFECTA TARDA; OSTEOGENESIS IMPERFECTA WITH BLUE SCLERAE; Lobstein's Disease; Classic Non-deforming Osteogenesis Imperfecta with Blue Sclerae; Lobstein disease. Identifiers: Orphanet 216796, Orphanet 666, MedGen C0023931, MONDO:0008146, OMIM 166200. Disease mechanism: loss of function.
Ehlers-Danlos syndrome, classic type, 1 (EDSCL1). Also called: Ehlers-Danlos Syndrome, Classic Type, COL5A1-Related; EDS I; Ehlers-Danlos syndrome, type 1; EHLERS-DANLOS SYNDROME, GRAVIS TYPE; EHLERS-DANLOS SYNDROME, SEVERE CLASSIC TYPE. Identifiers: MedGen C0268335, MONDO:0019567, OMIM 130000.

Submissions (2):

Labcorp Genetics (formerly Invitae), Labcorp
Classification: Pathogenic for Osteogenesis imperfecta type I; Ehlers-Danlos syndrome, classic type, 1. Last evaluated: 2022-07-19. Review status: criteria provided, single submitter. Criteria: Invitae Variant Classification Sherloc (09022015). Collection method: clinical testing. Allele origin: germline.
Comment: This sequence change replaces glycine, which is neutral and non-polar, with aspartic acid, which is acidic and polar, at codon 676 of the COL1A2 protein (p.Gly676Asp). This variant is not present in population databases (gnomAD no frequency). This missense change has been observed in individual(s) with osteogenesis imperfecta (PMID: 16705691, 26177859, 26788535, 30715774, 31429852). In at least one individual the variant was observed to be de novo. It has also been observed to segregate with disease in related individuals. ClinVar contains an entry for this variant (Variation ID: 548666). Algorithms developed to predict the effect of missense changes on protein structure and function are either unavailable or do not agree on the potential impact of this missense change (SIFT: "Deleterious"; PolyPhen-2: "Not Available"; Align-GVGD: "Class C65"). This variant disrupts the triple helix domain of COL1A2. Glycine residues within the Gly-Xaa-Yaa repeats of the triple helix domain are required for the structure and stability of fibrillar collagens (PMID: 7695699, 8218237, 19344236). In COL1A2, variants affecting these glycine residues are significantly enriched in individuals with disease (PMID: 9016532, 17078022) compared to the general population (ExAC). For these reasons, this variant has been classified as Pathogenic.

Yale Center for Mendelian Genomics, Yale University
Classification: Likely pathogenic for Dentinogenesis imperfecta. Last evaluated: 2016-01-08. Review status: no assertion criteria provided. Collection method: literature only. Allele origin: germline. Affected: yes. Observed: 1 heterozygote. Not counted in ClinVar's aggregate classification.

Literature cited by the submitters: PubMed 16705691 (cited by Labcorp Genetics (formerly Invitae), Labcorp); PubMed 26177859 (cited by Labcorp Genetics (formerly Invitae), Labcorp); PubMed 26788535 (cited by Labcorp Genetics (formerly Invitae), Labcorp and Yale Center for Mendelian Genomics, Yale University); PubMed 30715774 (cited by Labcorp Genetics (formerly Invitae), Labcorp); PubMed 31429852 (cited by Labcorp Genetics (formerly Invitae), Labcorp); PubMed 7695699 (cited by Labcorp Genetics (formerly Invitae), Labcorp); PubMed 8218237 (cited by Labcorp Genetics (formerly Invitae), Labcorp); PubMed 19344236 (cited by Labcorp Genetics (formerly Invitae), Labcorp); PubMed 9016532 (cited by Labcorp Genetics (formerly Invitae), Labcorp); PubMed 17078022 (cited by Labcorp Genetics (formerly Invitae), Labcorp).